The following is an entry in ClinVar:

NM_015295.3(SMCHD1):c.1757C>T (p.Pro586Leu)

Gene: SMCHD1 (structural maintenance of chromosomes flexible hinge domain containing 1; plus strand). Cytogenetic location: 18p11.32.
Variant type: single nucleotide variant.
Coding change: c.1757C>T on transcript NM_015295.3 (MANE Select); coding-DNA position 1757, C replaced by T.
Protein change: p.Pro586Leu; replaces proline 586 with leucine.
Molecular consequence: missense variant.
Genome position (GRCh38, 1-based): chr18:2,703,801, C>T. VCF-style: chr18-2703801-C-T. GRCh37 (hg19) VCF-style: chr18-2703799-C-T.
Other names: short protein forms P586L.
Identifiers: ClinVar variation 2117414 (VCV002117414.4), dbSNP rs1428385394, ClinGen allele CA401678470.

ClinVar aggregate classification (germline): Uncertain significance (1 of 4 stars; one submission).

Conditions:
Facioscapulohumeral muscular dystrophy 2 (FSHD2). Also called: MUSCULAR DYSTROPHY, FACIOSCAPULOHUMERAL, TYPE 1B; FACIOSCAPULOHUMERAL MUSCULAR DYSTROPHY 2, DIGENIC; FSHD2, DIGENIC. Identifiers: Orphanet 269, MedGen C1834671, MONDO:0008031, OMIM 158901.

Allele frequency attached by ClinVar (database versions not stated): gnomAD exomes below 0.00001.

Submission:

Labcorp Genetics (formerly Invitae), Labcorp
Classification: Uncertain significance for Facioscapulohumeral muscular dystrophy 2. Last evaluated: 2022-08-13. Review status: criteria provided, single submitter. Criteria: Invitae Variant Classification Sherloc (09022015). Collection method: clinical testing. Allele origin: germline.
Comment: This sequence change replaces proline, which is neutral and non-polar, with leucine, which is neutral and non-polar, at codon 586 of the SMCHD1 protein (p.Pro586Leu). This variant is present in population databases (no rsID available, gnomAD 0.003%). In summary, the available evidence is currently insufficient to determine the role of this variant in disease. Therefore, it has been classified as a Variant of Uncertain Significance. Algorithms developed to predict the effect of missense changes on protein structure and function are either unavailable or do not agree on the potential impact of this missense change (SIFT: "Deleterious"; PolyPhen-2: "Benign"; Align-GVGD: "Class C0"). This variant has not been reported in the literature in individuals affected with SMCHD1-related conditions.